The following is an entry in ClinVar:

ClinVar aggregate classification (germline): Uncertain significance (1 of 4 stars; one submission).

Submission:

Labcorp Genetics (formerly Invitae), Labcorp
Classification: Uncertain significance. Last evaluated: 2024-07-29. Review status: criteria provided, single submitter. Criteria: Invitae Variant Classification Sherloc (09022015). Collection method: clinical testing. Allele origin: germline.
Comment: This variant, c.2275_2277del, results in the deletion of 1 amino acid(s) of the LAMB1 protein (p.Ile759del), but otherwise preserves the integrity of the reading frame. This variant is present in population databases (rs757824197, gnomAD 0.0008%). This variant has not been reported in the literature in individuals affected with LAMB1-related conditions. Experimental studies and prediction algorithms are not available or were not evaluated, and the functional significance of this variant is currently unknown. In summary, the available evidence is currently insufficient to determine the role of this variant in disease. Therefore, it has been classified as a Variant of Uncertain Significance.

NM_002291.3(LAMB1):c.2272ATC[1] (p.Ile759del)

Gene: LAMB1 (laminin subunit beta 1; minus strand). Cytogenetic location: 7q31.1.
Variant type: Microsatellite.
Coding change: c.2272ATC[1] on transcript NM_002291.3 (MANE Select); one copy of the 3-base unit ATC starting at c.2272; the reference has two copies in a row; one copy, 3 bases deleted.
Protein change: p.Ile759del; deletes isoleucine 759.
Molecular consequence: inframe deletion.
Genome position (GRCh38, 1-based): chr7:107,960,482-107,960,484, GAT deleted on the plus strand (ATC on the coding strand, the reverse complement: LAMB1 is on the minus strand); deleting any 3 consecutive bases within chr7:107,960,482-107,960,488 gives the same sequence; the position shown is the placement nearest the transcript's 3' end. VCF-style (leftmost placement, unchanged base first): chr7-107960481-AGAT-A. GRCh37 (hg19) VCF-style: chr7-107600926-AGAT-A.
Other names: short protein forms I759del.
Identifiers: ClinVar variation 1974657 (VCV001974657.5), dbSNP rs757824197, ClinGen allele CA4435701.